The following is an entry in ClinVar:

ClinVar aggregate classification (germline): Likely benign. Review status: criteria provided, single submitter (1 of 4 stars). 2 submissions from 2 submitters: Likely benign (1). 1 of the submissions does not count toward it. Last evaluated 2021-03-08.

Conditions:
DUOX2-related disorder. Also called: DUOX2-related condition.

Allele frequency attached by ClinVar (database versions not stated): gnomAD exomes below 0.00001 and 0.00002; gnomAD 0.00001; ExAC 0.00002; 1000 Genomes Project 30x 0.00016; 1000 Genomes Project 0.00020.
gnomAD v4.1: 4 of 1,614,222 alleles (0.00025%); highest among the groups gnomAD compares: Non-Finnish European, 0.00025%; no homozygotes.

Submissions (2):

Labcorp Genetics (formerly Invitae), Labcorp
Classification: Likely benign. Last evaluated: 2021-03-08. Review status: criteria provided, single submitter. Criteria: Invitae Variant Classification Sherloc (09022015). Collection method: clinical testing. Allele origin: germline.

PreventionGenetics, part of Exact Sciences
Classification: Likely benign for DUOX2-related condition. Last evaluated: 2023-10-03. Review status: no assertion criteria provided. Collection method: clinical testing. Allele origin: germline. Not counted in ClinVar's aggregate classification.
Comment: This variant is classified as likely benign based on ACMG/AMP sequence variant interpretation guidelines (Richards et al. 2015 PMID: 25741868, with internal and published modifications).

NM_001363711.2(DUOX2):c.3627C>T (p.His1209=)

Gene: DUOX2 (dual oxidase 2; minus strand). Cytogenetic location: 15q21.1.
Variant type: single nucleotide variant.
Coding change: c.3627C>T on transcript NM_001363711.2 (MANE Select); coding-DNA position 3627, C replaced by T.
Protein change: p.His1209=; no amino-acid change (histidine 1209 retained).
Molecular consequence: synonymous variant.
Genome position (GRCh38, 1-based): chr15:45,097,680, G>A on the plus strand (C>T on the coding strand, the complement: DUOX2 is on the minus strand). VCF-style: chr15-45097680-G-A. GRCh37 (hg19) VCF-style: chr15-45389878-G-A.
Other names: c.3627C>T, p.His1209= (NM_014080.5); c.3627C>T (NM_014080.4).
Identifiers: ClinVar variation 1539098 (VCV001539098.10), dbSNP rs145751273, ClinGen allele CA7537792.